The following is an entry in ClinVar:

NM_000040.3(APOC3):c.137C>T (p.Ala46Val)

Gene: APOC3 (apolipoprotein C3; plus strand). Cytogenetic location: 11q23.3.
Variant type: single nucleotide variant.
Coding change: c.137C>T on transcript NM_000040.3 (MANE Select); coding-DNA position 137, C replaced by T.
Protein change: p.Ala46Val; replaces alanine 46 with valine.
Molecular consequence: missense variant.
Genome position (GRCh38, 1-based): chr11:116,830,854, C>T. VCF-style: chr11-116830854-C-T. GRCh37 (hg19) VCF-style: chr11-116701570-C-T.
Other names: short protein forms A46V.
Identifiers: ClinVar variation 4613722 (VCV004613722.1).
Genomic context (GRCh38, chr11:116,830,854, plus strand): 5'-CCTCCCTTCTCAGCTTCATGCAGGGTTACATGAAGCACGCCACCAAGACCGCCAAGGATG[C>T]ACTGAGCAGCGTGCAGGAGTCCCAGGTGGCCCAGCAGGCCAGGTACACCCGCTGGCCTCC-3'
Protein context (NP_000031.1, residues 36-56): MKHATKTAKD[Ala46Val]LSSVQESQVA

ClinVar aggregate classification (germline): Uncertain significance (1 of 4 stars; one submission).

Conditions:
Cardiovascular phenotype. Identifiers: MedGen CN230736.

gnomAD v4.1: 1 of 1,613,190 alleles (0.000062%); highest among the groups gnomAD compares: Non-Finnish European, 0.000085%; no homozygotes.

Submission:

Ambry Genetics
Classification: Uncertain significance for Cardiovascular phenotype. Last evaluated: 2025-10-27. Review status: criteria provided, single submitter. Criteria: Ambry Variant Classification Scheme 2023. Collection method: clinical testing. Allele origin: germline.
Comment: The p.A46V variant (also known as c.137C>T), located in coding exon 2 of the APOC3 gene, results from a C to T substitution at nucleotide position 137. The alanine at codon 46 is replaced by valine, an amino acid with similar properties. This amino acid position is conserved. In addition, this alteration is predicted to be tolerated by in silico analysis. Based on the available evidence, the clinical significance of this variant remains unclear.